The following is an entry in ClinVar:

NM_001371623.1(TCOF1):c.1969G>A (p.Ala657Thr)

Gene: TCOF1 (treacle ribosome biogenesis factor 1; plus strand). Cytogenetic location: 5q32.
Variant type: single nucleotide variant.
Coding change: c.1969G>A on transcript NM_001371623.1 (MANE Select); coding-DNA position 1969, G replaced by A.
Protein change: p.Ala657Thr; replaces alanine 657 with threonine.
Molecular consequence: missense variant.
Genome position (GRCh38, 1-based): chr5:150,376,157, G>A. VCF-style: chr5-150376157-G-A. GRCh37 (hg19) VCF-style: chr5-149755720-G-A.
Other names: c.1738G>A, p.Ala580Thr (NM_000356.4, NM_001135245.2); c.1969G>A, p.Ala657Thr (NM_001008657.3, NM_001135243.2, NM_001135244.2 and 1 more transcripts); short protein forms A580T, A657T.
Identifiers: ClinVar variation 3351244 (VCV003351244.1).

ClinVar aggregate classification (germline): Likely benign (0 of 4 stars; one submission).

Conditions:
TCOF1-related disorder. Also called: TCOF1-related condition.

Submission:

PreventionGenetics, part of Exact Sciences
Classification: Likely benign for TCOF1-related condition. Last evaluated: 2024-09-05. Review status: no assertion criteria provided. Collection method: clinical testing. Allele origin: germline.
Comment: This variant is classified as likely benign based on ACMG/AMP sequence variant interpretation guidelines (Richards et al. 2015 PMID: 25741868, with internal and published modifications).